The following is an entry in ClinVar:

ClinVar aggregate classification (germline): Uncertain significance. Review status: criteria provided, multiple submitters, no conflicts (2 of 4 stars). 2 submissions from 2 submitters: Uncertain significance (2). Last evaluated 2025-12-20.

Allele frequency attached by ClinVar (database versions not stated): gnomAD exomes below 0.00001 and 0.00004; gnomAD 0.00001 and 0.00002; TOPMed 0.00001; ExAC 0.00005; 1000 Genomes Project 30x 0.00031; 1000 Genomes Project 0.00040.

Submissions (2):

Labcorp Genetics (formerly Invitae), Labcorp
Classification: Uncertain significance. Last evaluated: 2025-12-20. Review status: criteria provided, single submitter. Criteria: Invitae Variant Classification Sherloc (09022015). Collection method: clinical testing. Allele origin: germline.
Comment: This sequence change replaces leucine, which is neutral and non-polar, with phenylalanine, which is neutral and non-polar, at codon 428 of the MOCS3 protein (p.Leu428Phe). This variant is present in population databases (rs534253393, gnomAD 0.05%). This variant has not been reported in the literature in individuals affected with MOCS3-related conditions. ClinVar contains an entry for this variant (Variation ID: 1400552). An algorithm developed to predict the effect of missense changes on protein structure and function (PolyPhen-2) suggests that this variant is likely to be tolerated. In summary, the available evidence is currently insufficient to determine the role of this variant in disease. Therefore, it has been classified as a Variant of Uncertain Significance.

Ambry Genetics
Classification: Uncertain significance. Last evaluated: 2023-02-23. Review status: criteria provided, single submitter. Criteria: Ambry Variant Classification Scheme 2023. Collection method: clinical testing. Allele origin: germline.

NM_014484.5(MOCS3):c.1284A>C (p.Leu428Phe)

Gene: MOCS3 (molybdenum cofactor synthesis 3; plus strand). Cytogenetic location: 20q13.13.
Variant type: single nucleotide variant.
Coding change: c.1284A>C on transcript NM_014484.5 (MANE Select); coding-DNA position 1284, A replaced by C.
Protein change: p.Leu428Phe; replaces leucine 428 with phenylalanine.
Molecular consequence: missense variant.
Genome position (GRCh38, 1-based): chr20:50,960,126, A>C. VCF-style: chr20-50960126-A-C. GRCh37 (hg19) VCF-style: chr20-49576663-A-C.
Other names: c.1284A>C (NM_014484.3); short protein forms L428F.
Identifiers: ClinVar variation 1400552 (VCV001400552.9), dbSNP rs534253393, ClinGen allele CA9909568.